The following is an entry in ClinVar:

NM_025114.4(CEP290):c.4337G>A (p.Ser1446Asn)

Gene: CEP290 (centrosomal protein 290; minus strand). Cytogenetic location: 12q21.32.
Variant type: single nucleotide variant.
Coding change: c.4337G>A on transcript NM_025114.4 (MANE Select); coding-DNA position 4337, G replaced by A.
Protein change: p.Ser1446Asn; replaces serine 1446 with asparagine.
Molecular consequence: missense variant.
Genome position (GRCh38, 1-based): chr12:88,086,139, C>T on the plus strand (G>A on the coding strand, the complement: CEP290 is on the minus strand). VCF-style: chr12-88086139-C-T. GRCh37 (hg19) VCF-style: chr12-88479916-C-T.
Other names: c.4337G>A (NM_025114.3); short protein forms S1446N.
Identifiers: ClinVar variation 282090 (VCV000282090.11), dbSNP rs746106679, ClinGen allele CA6711963.

ClinVar aggregate classification (germline): Uncertain significance. Review status: criteria provided, multiple submitters, no conflicts (2 of 4 stars). 6 submissions from 6 submitters: Uncertain significance (6). Last evaluated 2024-03-19.

Conditions:
Inborn genetic diseases. Identifiers: MedGen C0950123, MeSH D030342.
Retinal dystrophy. Also called: Inherited retinal dystrophy. Identifiers: Orphanet 71862, MedGen C0854723, MeSH D058499, MONDO:0019118, HP:0000556.
Meckel-Gruber syndrome. Also called: DYSENCEPHALIA SPLANCHNOCYSTICA; GRUBER SYNDROME; Dysencephalia splachnocystica. Identifiers: Orphanet 564, MedGen C0265215, MONDO:0018921.
Joubert syndrome. Also called: JOUBERT-BOLTSHAUSER SYNDROME; Familial aplasia of the vermis. Identifiers: Orphanet 475, MedGen C5979921, MONDO:0018772.
Nephronophthisis. Also called: Juvenile Nephronophthisis. Identifiers: Orphanet 655, MedGen C0687120, MONDO:0019005, HP:0000090.

Allele frequency attached by ClinVar (database versions not stated): gnomAD 0.00001; gnomAD exomes 0.00001; 1000 Genomes Project 30x 0.00016; TOPMed below 0.00001; ExAC 0.00001.
gnomAD v4.1: 9 of 1,613,114 alleles (0.00056%); highest among the groups gnomAD compares: East Asian, 0.018%; no homozygotes.

Submissions (6):

GeneDx
Classification: Uncertain significance. Last evaluated: 2024-03-19. Review status: criteria provided, single submitter. Criteria: GeneDx Variant Classification Process June 2021. Collection method: clinical testing. Allele origin: germline. Affected: yes.
Comment: Has not been previously published as pathogenic or benign to our knowledge; Not observed at significant frequency in large population cohorts (gnomAD); In silico analysis supports that this missense variant does not alter protein structure/function

Ambry Genetics
Classification: Uncertain significance for Inborn genetic diseases. Last evaluated: 2024-02-05. Review status: criteria provided, single submitter. Criteria: Ambry Variant Classification Scheme 2023. Collection method: clinical testing. Allele origin: germline.

Dept Of Ophthalmology, Nagoya University
Classification: Uncertain significance for Retinal dystrophy. Last evaluated: 2023-10-01. Review status: criteria provided, single submitter. Criteria: Submitter's publication. Collection method: research. Allele origin: germline. Affected: yes.

Blueprint Genetics
Classification: Uncertain significance. Last evaluated: 2022-10-27. Review status: criteria provided, single submitter. Criteria: ACMG Guidelines, 2015. Collection method: clinical testing. Allele origin: germline.

Labcorp Genetics (formerly Invitae), Labcorp
Classification: Uncertain significance for Joubert syndrome; Meckel-Gruber syndrome; Nephronophthisis. Last evaluated: 2021-08-24. Review status: criteria provided, single submitter. Criteria: Invitae Variant Classification Sherloc (09022015). Collection method: clinical testing. Allele origin: germline.
Comment: This sequence change replaces serine with asparagine at codon 1446 of the CEP290 protein (p.Ser1446Asn). The serine residue is moderately conserved and there is a small physicochemical difference between serine and asparagine. This variant is present in population databases (rs746106679, ExAC 0.01%). This variant has not been reported in the literature in individuals affected with CEP290-related conditions. ClinVar contains an entry for this variant (Variation ID: 282090). Algorithms developed to predict the effect of missense changes on protein structure and function (SIFT, PolyPhen-2, Align-GVGD) all suggest that this variant is likely to be tolerated. In summary, the available evidence is currently insufficient to determine the role of this variant in disease. Therefore, it has been classified as a Variant of Uncertain Significance.

Eurofins Ntd Llc (ga)
Classification: Uncertain significance. Last evaluated: 2015-08-18. Review status: criteria provided, single submitter. Criteria: EGL Classification Definitions 2015. Collection method: clinical testing. Allele origin: germline.